The following is an entry in ClinVar:

NM_015331.3(NCSTN):c.517T>C (p.Tyr173His)

Gene: NCSTN (nicastrin; plus strand). Cytogenetic location: 1q23.2.
Variant type: single nucleotide variant.
Coding change: c.517T>C on transcript NM_015331.3 (MANE Select); coding-DNA position 517, T replaced by C.
Protein change: p.Tyr173His; replaces tyrosine 173 with histidine.
Molecular consequence: missense variant.
Genome position (GRCh38, 1-based): chr1:160,350,185, T>C. VCF-style: chr1-160350185-T-C. GRCh37 (hg19) VCF-style: chr1-160319975-T-C.
Other names: c.457T>C, p.Tyr153His (NM_001290184.2); c.517T>C, p.Tyr173His (NM_001290186.2, NM_001349729.2); short protein forms Y153H, Y173H.
Identifiers: ClinVar variation 3684427 (VCV003684427.2).

ClinVar aggregate classification (germline): Uncertain significance (1 of 4 stars; one submission).

Submission:

Labcorp Genetics (formerly Invitae), Labcorp
Classification: Uncertain significance. Last evaluated: 2025-06-08. Review status: criteria provided, single submitter. Criteria: Invitae Variant Classification Sherloc (09022015). Collection method: clinical testing. Allele origin: germline.
Comment: This sequence change replaces tyrosine, which is neutral and polar, with histidine, which is basic and polar, at codon 173 of the NCSTN protein (p.Tyr173His). This variant is not present in population databases (gnomAD no frequency). This variant has not been reported in the literature in individuals affected with NCSTN-related conditions. ClinVar contains an entry for this variant (Variation ID: 3684427). Invitae Evidence Modeling of protein sequence and biophysical properties (such as structural, functional, and spatial information, amino acid conservation, physicochemical variation, residue mobility, and thermodynamic stability) has been performed for this missense variant. However, the output from this modeling did not meet the statistical confidence thresholds required to predict the impact of this variant on NCSTN protein function. In summary, the available evidence is currently insufficient to determine the role of this variant in disease. Therefore, it has been classified as a Variant of Uncertain Significance.